The following is an entry in ClinVar:

ClinVar aggregate classification (germline): Uncertain significance (1 of 4 stars; one submission).

Conditions:
Ehlers-Danlos syndrome, classic type, 1 (EDSCL1). Also called: EDS I; EHLERS-DANLOS SYNDROME, GRAVIS TYPE; EHLERS-DANLOS SYNDROME, SEVERE CLASSIC TYPE; Ehlers-Danlos Syndrome, Classic Type, COL5A1-Related; Ehlers-Danlos syndrome, type 1. Identifiers: MedGen C0268335, MONDO:0019567, OMIM 130000.

Submission:

Labcorp Genetics (formerly Invitae), Labcorp
Classification: Uncertain significance for Ehlers-Danlos syndrome, classic type, 1. Last evaluated: 2018-10-31. Review status: criteria provided, single submitter. Criteria: Invitae Variant Classification Sherloc (09022015). Collection method: clinical testing. Allele origin: germline.
Comment: In summary, the available evidence is currently insufficient to determine the role of this variant in disease. Therefore, it has been classified as a Variant of Uncertain Significance. Algorithms developed to predict the effect of missense changes on protein structure and function output the following: SIFT: "Tolerated"; PolyPhen-2: "Not Available"; Align-GVGD: "Class C0". The glutamic acid amino acid residue is found in multiple mammalian species, suggesting that this missense change does not adversely affect protein function. These predictions have not been confirmed by published functional studies and their clinical significance is uncertain. This variant has not been reported in the literature in individuals with COL5A1-related disease. This variant is not present in population databases (ExAC no frequency). This sequence change replaces glutamine with glutamic acid at codon 1633 of the COL5A1 protein (p.Gln1633Glu). The glutamine residue is weakly conserved and there is a small physicochemical difference between glutamine and glutamic acid.

NM_000093.5(COL5A1):c.4897C>G (p.Gln1633Glu)

Genes: COL5A1 (collagen type V alpha 1 chain; plus strand), LOC101448202 (uncharacterized LOC101448202; minus strand). Cytogenetic location: 9q34.3.
Variant type: single nucleotide variant.
Coding change: c.4897C>G on transcript NM_000093.5 (MANE Select); coding-DNA position 4897, C replaced by G.
Protein change: p.Gln1633Glu; replaces glutamine 1633 with glutamic acid.
Molecular consequence: missense variant.
Genome position (GRCh38, 1-based): chr9:134,824,798, C>G. VCF-style: chr9-134824798-C-G. GRCh37 (hg19) VCF-style: chr9-137716644-C-G.
Other names: c.4897C>G, p.Gln1633Glu (NM_001278074.1); short protein forms Q1633E.
Identifiers: ClinVar variation 645378 (VCV000645378.10), dbSNP rs1588598244, ClinGen allele CA375458678.
Genomic context (GRCh38, chr9:134,824,798, plus strand): 5'-GGCTCTCTCAACTCTCTGAAGCTGGAGATTGAGCAGATGAAACGGCCCCTGGGCACGCAG[C>G]AGAACCCCGCCCGCACCTGCAAGGACCTGCAGCTCTGCCACCCCGACTTCCCAGATGGTG-3'
Protein context (NP_000084.3, residues 1623-1643): EQMKRPLGTQ[Gln1633Glu]NPARTCKDLQ